The following is an entry in ClinVar:

NM_001130144.3(LTBP3):c.1158T>A (p.Ser386Arg)

Gene: LTBP3 (latent transforming growth factor beta binding protein 3; minus strand). Cytogenetic location: 11q13.1.
Variant type: single nucleotide variant.
Coding change: c.1158T>A on transcript NM_001130144.3 (MANE Select); coding-DNA position 1158, T replaced by A.
Protein change: p.Ser386Arg; replaces serine 386 with arginine.
Molecular consequence: missense variant.
Genome position (GRCh38, 1-based): chr11:65,552,888, A>T on the plus strand (T>A on the coding strand, the complement: LTBP3 is on the minus strand). VCF-style: chr11-65552888-A-T. GRCh37 (hg19) VCF-style: chr11-65320359-A-T.
Other names: c.807T>A, p.Ser269Arg (NM_001164266.1); c.1158T>A, p.Ser386Arg (NM_021070.4); short protein forms S269R, S386R.
Identifiers: ClinVar variation 1504786 (VCV001504786.8), dbSNP rs200733908, ClinGen allele CA6101056.
Genomic context (GRCh38, chr11:65,552,888, plus strand): 5'-GACCTCCCAGGAACCTGAGCCCCAGGTCTCACCAATGCACTGTGTACGGGAGGGGCCTAA[A>T]CTATGGCCAGGTGGGCAGACACAGCGATAGGAGCCAGGGTTGTTGAGGCAGTCACCATGG-3'
Protein context (NP_001123616.1, residues 376-396): SYRCVCPPGH[Ser386Arg]LGPSRTQCIA

ClinVar aggregate classification (germline): Uncertain significance. Review status: criteria provided, multiple submitters, no conflicts (2 of 4 stars). 2 submissions from 2 submitters: Uncertain significance (2). Last evaluated 2026-01-24.

Conditions:
Brachyolmia-amelogenesis imperfecta syndrome. Also called: Tooth agenesis, selective, 6; Dental anomalies and short stature; PLATYSPONDYLY WITH AMELOGENESIS IMPERFECTA. Identifiers: Orphanet 2899, MedGen C1832594, MONDO:0011018, OMIM 601216. Disease mechanism: loss of function.
Inborn genetic diseases. Identifiers: MedGen C0950123, MeSH D030342.

Allele frequency attached by ClinVar (database versions not stated): ESP Exome Variant Server 0.00008; TOPMed 0.00011; gnomAD exomes 0.00015 and 0.00030; ExAC 0.00016; gnomAD 0.00017.

Submissions (2):

Labcorp Genetics (formerly Invitae), Labcorp
Classification: Uncertain significance for Brachyolmia-amelogenesis imperfecta syndrome. Last evaluated: 2026-01-24. Review status: criteria provided, single submitter. Criteria: Invitae Variant Classification Sherloc (09022015). Collection method: clinical testing. Allele origin: germline.
Comment: This sequence change replaces serine, which is neutral and polar, with arginine, which is basic and polar, at codon 386 of the LTBP3 protein (p.Ser386Arg). This variant is present in population databases (rs200733908, gnomAD 0.03%). This variant has not been reported in the literature in individuals affected with LTBP3-related conditions. ClinVar contains an entry for this variant (Variation ID: 1504786). An algorithm developed to predict the effect of missense changes on protein structure and function (PolyPhen-2) suggests that this variant is likely to be disruptive. In summary, the available evidence is currently insufficient to determine the role of this variant in disease. Therefore, it has been classified as a Variant of Uncertain Significance.

Ambry Genetics
Classification: Uncertain significance for Inborn genetic diseases. Last evaluated: 2022-07-13. Review status: criteria provided, single submitter. Criteria: Ambry Variant Classification Scheme 2023. Collection method: clinical testing. Allele origin: germline.